The following is an entry in ClinVar:

NM_001127496.3(SPRY4):c.598A>G (p.Met200Val)

Gene: SPRY4 (sprouty RTK signaling antagonist 4; minus strand). Cytogenetic location: 5q31.3.
Variant type: single nucleotide variant.
Coding change: c.598A>G on transcript NM_001127496.3 (MANE Select); coding-DNA position 598, A replaced by G.
Protein change: p.Met200Val; replaces methionine 200 with valine.
Molecular consequence: missense variant.
Genome position (GRCh38, 1-based): chr5:142,314,511, T>C on the plus strand (A>G on the coding strand, the complement: SPRY4 is on the minus strand). VCF-style: chr5-142314511-T-C. GRCh37 (hg19) VCF-style: chr5-141694076-T-C.
Other names: c.598A>G, p.Met200Val (NM_001293289.3, NM_001293290.3); c.667A>G, p.Met223Val (NM_030964.5); short protein forms M200V, M223V.
Identifiers: ClinVar variation 3898659 (VCV003898659.7).

ClinVar aggregate classification (germline): Uncertain significance (1 of 4 stars; one submission).

Submission:

CeGaT Center for Human Genetics Tuebingen
Classification: Uncertain significance. Last evaluated: 2025-04-01. Review status: criteria provided, single submitter. Criteria: CeGaT Center For Human Genetics Tuebingen Variant Classification Criteria Version 2. Collection method: clinical testing. Allele origin: germline. Affected: yes. Observed: 1 variant allele.
Comment: SPRY4: PM2